The following is an entry in ClinVar:

NM_001367624.2(ZNF469):c.7809T>A (p.His2603Gln)

Gene: ZNF469 (zinc finger protein 469; plus strand). Cytogenetic location: 16q24.2.
Variant type: single nucleotide variant.
Coding change: c.7809T>A on transcript NM_001367624.2 (MANE Select); coding-DNA position 7809, T replaced by A.
Protein change: p.His2603Gln; replaces histidine 2603 with glutamine.
Molecular consequence: missense variant.
Genome position (GRCh38, 1-based): chr16:88,435,279, T>A. VCF-style: chr16-88435279-T-A. GRCh37 (hg19) VCF-style: chr16-88501687-T-A.
Other names: NM_001127464.1:c.7725T>A; short protein forms H2603Q.
Identifiers: ClinVar variation 5032251 (VCV005032251.1).

ClinVar aggregate classification (germline): Uncertain significance (1 of 4 stars; one submission).

Conditions:
Cardiovascular phenotype. Identifiers: MedGen CN230736.

Submission:

Ambry Genetics
Classification: Uncertain significance for Cardiovascular phenotype. Last evaluated: 2026-08-10. Review status: criteria provided, single submitter. Criteria: Ambry Variant Classification Scheme 2023. Collection method: clinical testing. Allele origin: germline.
Comment: The p.H2575Q variant (also known as c.7725T>A), located in coding exon 2 of the ZNF469 gene, results from a T to A substitution at nucleotide position 7725. The histidine at codon 2575 is replaced by glutamine, an amino acid with highly similar properties. This amino acid position is conserved. In addition, this alteration is predicted to be tolerated by in silico analysis. Based on the available evidence, the clinical significance of this variant remains unclear.